The following is an entry in ClinVar:

ClinVar aggregate classification (germline): Benign. Review status: criteria provided, multiple submitters, no conflicts (2 of 4 stars). 4 submissions from 4 submitters: Benign (4). Last evaluated 2024-07-15.

Conditions:
Autosomal recessive Alport syndrome (ATS2). Also called: COL4A4 Alport Syndrome and Thin Basement Membrane Nephropathy; COL4A3-Related Nephropathy; Alport syndrome type 2; ALPORT SYNDROME 2, AUTOSOMAL RECESSIVE. Identifiers: Orphanet 63, Orphanet 88919, MedGen C4746745, MONDO:0008762, OMIM 203780.

Allele frequency attached by ClinVar (database versions not stated): 1000 Genomes Project 0.91014; 1000 Genomes Project 30x 0.91412; gnomAD exomes 0.91901; TOPMed 0.92377; gnomAD 0.92757 and 0.92995.
gnomAD v4.1: 1,120,296 of 1,218,070 alleles (92%); highest among the groups gnomAD compares: African/African-American, 96%; 515,424 homozygotes.

Submissions (4):

Unidad de Genómica Garrahan, Hospital de Pediatría Garrahan
Classification: Benign. Last evaluated: 2024-07-15. Review status: criteria provided, single submitter. Criteria: ACMG Guidelines, 2015. Collection method: clinical testing. Allele origin: germline. Affected: no. Observed: 83 variant alleles.
Comment: This variant is classified as Benign based on local population frequency. This variant was detected in 89% of patients studied in a panel designed for Epileptic and Developmental Encephalopathy and Progressive Myoclonus Epilepsy. Number of patients: 83. Only high quality variants are reported.

Genome-Nilou Lab
Classification: Benign for Autosomal recessive Alport syndrome. Last evaluated: 2021-06-10. Review status: criteria provided, single submitter. Criteria: ACMG Guidelines, 2015. Collection method: clinical testing. Allele origin: germline. Affected: no.

GeneDx
Classification: Benign. Last evaluated: 2018-06-22. Review status: criteria provided, single submitter. Criteria: GeneDx Variant Classification Process June 2021. Collection method: clinical testing. Allele origin: germline. Affected: yes.

Breakthrough Genomics
Classification: Benign. Review status: criteria provided, single submitter. Criteria: ACMG Guidelines, 2015. Collection method: not provided. Allele origin: germline. Inheritance: Autosomal recessive inheritance. Affected: yes.

NM_000091.5(COL4A3):c.2375-66C>T

Genes: COL4A3 (collagen type IV alpha 3 chain; plus strand), MFF-DT (MFF divergent transcript; minus strand). Cytogenetic location: 2q36.3.
Variant type: single nucleotide variant.
Coding change: c.2375-66C>T on transcript NM_000091.5 (MANE Select); 66 bases into the intron before coding-DNA position 2375, C replaced by T.
Molecular consequence: intron variant.
Genome position (GRCh38, 1-based): chr2:227,280,827, C>T. VCF-style: chr2-227280827-C-T. GRCh37 (hg19) VCF-style: chr2-228145543-C-T.
Identifiers: ClinVar variation 1172990 (VCV001172990.6), dbSNP rs6436671, ClinGen allele CA15205733.